The following is an entry in ClinVar:

ClinVar aggregate classification (germline): Uncertain significance (0 of 4 stars; one submission).

Conditions:
CSMD1-related disorder. Also called: CSMD1-related condition.

Submission:

PreventionGenetics, part of Exact Sciences
Classification: Uncertain significance for CSMD1-related condition. Last evaluated: 2024-03-26. Review status: no assertion criteria provided. Collection method: clinical testing. Allele origin: germline.
Comment: The CSMD1 c.8759G>T variant is predicted to result in the amino acid substitution p.Cys2920Phe. To our knowledge, this variant has not been reported in the literature or in a large population database, indicating this variant is rare. At this time, the clinical significance of this variant is uncertain due to the absence of conclusive functional and genetic evidence.

NM_033225.6(CSMD1):c.8759G>T (p.Cys2920Phe)

Genes: CSMD1 (CUB and Sushi multiple domains 1; minus strand), LOC105377785 (uncharacterized LOC105377785; plus strand). Cytogenetic location: 8p23.2.
Variant type: single nucleotide variant.
Coding change: c.8759G>T on transcript NM_033225.6 (MANE Select); coding-DNA position 8759, G replaced by T.
Protein change: p.Cys2920Phe; replaces cysteine 2920 with phenylalanine.
Molecular consequence: missense variant.
Genome position (GRCh38, 1-based): chr8:2,973,281, C>A on the plus strand (G>T on the coding strand, the complement: CSMD1 is on the minus strand). VCF-style: chr8-2973281-C-A. GRCh37 (hg19) VCF-style: chr8-2830803-C-A.
Other names: short protein forms C2920F.
Identifiers: ClinVar variation 2632211 (VCV002632211.2), dbSNP rs1804619575, ClinGen allele CA369975657.
Genomic context (GRCh38, chr8:2,973,281, plus strand): 5'-CTCTTTGTCTTAAAGTCATCACCAAGCCGAGACCCATGTGCTGGGGTCCCCGGATCACCA[C>A]AGAATCCAGGATTATTTCCTATTGAAAACAAACACATACGGCAATCCACAATTGTGTTAG-3'
Protein context (NP_150094.5, residues 2910-2930): PHCTGNNPGF[Cys2920Phe]GDPGTPAHGS